The following is an entry in ClinVar:

NM_000447.3(PSEN2):c.69T>C (p.Ala23=)

Gene: PSEN2 (presenilin 2; plus strand). Cytogenetic location: 1q42.13.
Variant type: single nucleotide variant.
Coding change: c.69T>C on transcript NM_000447.3 (MANE Select); coding-DNA position 69, T replaced by C.
Protein change: p.Ala23=; no amino-acid change (alanine 23 retained).
Molecular consequence: synonymous variant.
Genome position (GRCh38, 1-based): chr1:226,881,976, T>C. VCF-style: chr1-226881976-T-C. GRCh37 (hg19) VCF-style: chr1-227069677-T-C.
Other names: p.Ala23=; c.69T>C, p.Ala23= (NM_012486.3).
Identifiers: ClinVar variation 256184 (VCV000256184.32), dbSNP rs11405, ClinGen allele CA1424378.
Genomic context (GRCh38, chr1:226,881,976, plus strand): 5'-ATTCATGGCCTCTGACAGCGAGGAAGAAGTGTGTGATGAGCGGACGTCCCTAATGTCGGC[T>C]GAGAGCCCCACGCCGCGCTCCTGCCAGGAGGGCAGGCAGGGCCCAGAGGATGGAGAGAAC-3'
Protein context (NP_000438.2, residues 13-33): VCDERTSLMS[Ala23=]ESPTPRSCQE

ClinVar aggregate classification (germline): Benign. Review status: criteria provided, multiple submitters, no conflicts (2 of 4 stars). 16 submissions from 14 submitters: Benign (11). 5 of the submissions do not count toward it. Last evaluated 2026-02-04.

Conditions:
Dilated cardiomyopathy 1V (CMD1V). Identifiers: Orphanet 154, MedGen C3150958, MONDO:0013373, OMIM 613697.
Alzheimer disease 4 (AD4). Identifiers: Orphanet 1020, MedGen C1847200, MONDO:0011743, OMIM 606889.

Allele frequency attached by ClinVar (database versions not stated): 1000 Genomes Project 0.73562; 1000 Genomes Project 30x 0.74407; gnomAD exomes 0.75603; ExAC 0.76035; TOPMed 0.77275; gnomAD 0.77330 and 0.77636; ESP Exome Variant Server 0.79310.
gnomAD v4.1: 1,242,351 of 1,613,976 alleles (77%); highest among the groups gnomAD compares: African/African-American, 82%; 479,454 homozygotes.

Submissions (16):

Labcorp Genetics (formerly Invitae), Labcorp
Classification: Benign for Alzheimer disease 4. Last evaluated: 2026-02-04. Review status: criteria provided, single submitter. Criteria: Invitae Variant Classification Sherloc (09022015). Collection method: clinical testing. Allele origin: germline.

ARUP Laboratories, Molecular Genetics and Genomics, ARUP Laboratories
Classification: Benign. Last evaluated: 2025-07-24. Review status: criteria provided, single submitter. Criteria: ARUP Molecular Germline Variant Investigation Process 2024. Collection method: clinical testing. Allele origin: germline.

Mayo Clinic Laboratories, Mayo Clinic
Classification: Benign. Last evaluated: 2023-02-08. Review status: criteria provided, single submitter. Criteria: ACMG Guidelines, 2015. Collection method: clinical testing. Allele origin: germline. Observed: 973 variant alleles.
Comment: BA1, BP4, BP7

Genome-Nilou Lab
Classification: Benign for Alzheimer disease 4. Last evaluated: 2021-10-25. Review status: criteria provided, single submitter. Criteria: ACMG Guidelines, 2015. Collection method: clinical testing. Allele origin: germline. Affected: no.

Genome-Nilou Lab
Classification: Benign for Dilated cardiomyopathy 1V. Last evaluated: 2021-10-25. Review status: criteria provided, single submitter. Criteria: ACMG Guidelines, 2015. Collection method: clinical testing. Allele origin: germline. Affected: no.

GeneDx
Classification: Benign. Last evaluated: 2018-09-16. Review status: criteria provided, single submitter. Criteria: GeneDx Variant Classification Process June 2021. Collection method: clinical testing. Allele origin: germline. Affected: yes.

Illumina Laboratory Services, Illumina
Classification: Benign for Alzheimer disease 4. Last evaluated: 2018-01-13. Review status: criteria provided, single submitter. Criteria: ICSL Variant Classification Criteria 13 December 2019. Collection method: clinical testing. Allele origin: germline.
Comment: This variant was observed in the ICSL laboratory as part of a predisposition screen in an ostensibly healthy population. It had not been previously curated by ICSL or reported in the Human Gene Mutation Database (HGMD: prior to June 1st, 2018), and was therefore a candidate for classification through an automated scoring system. Utilizing variant allele frequency, disease prevalence and penetrance estimates, and inheritance mode, an automated score was calculated to assess if this variant is too frequent to cause the disease. Based on the score and internal cut-off values, a variant classified as benign is not then subjected to further curation. The score for this variant resulted in a classification of benign for this disease.

Illumina Laboratory Services, Illumina
Classification: Benign for Dilated cardiomyopathy 1V. Last evaluated: 2018-01-13. Review status: criteria provided, single submitter. Criteria: ICSL Variant Classification Criteria 13 December 2019. Collection method: clinical testing. Allele origin: germline.
Comment: the same text as in the submission from Illumina Laboratory Services, Illumina above.

Athena Diagnostics
Classification: Benign. Last evaluated: 2017-07-24. Review status: criteria provided, single submitter. Criteria: Athena Diagnostics Criteria. Collection method: clinical testing. Allele origin: germline.

Breakthrough Genomics
Classification: Benign. Review status: criteria provided, single submitter. Criteria: ACMG Guidelines, 2015. Collection method: not provided. Allele origin: germline. Inheritance: Autosomal dominant inheritance. Affected: yes.

PreventionGenetics, part of Exact Sciences
Classification: Benign. Review status: criteria provided, single submitter. Criteria: ACMG Guidelines, 2015. Collection method: clinical testing. Allele origin: germline.

Clinical Genetics DNA and cytogenetics Diagnostics Lab, Erasmus MC, Erasmus Medical Center
Classification: Benign. Review status: no assertion criteria provided. Collection method: clinical testing. Allele origin: germline. Affected: yes. Study: VKGL Data-share Consensus. Not counted in ClinVar's aggregate classification.

Clinical Genetics, Academic Medical Center
Classification: Benign. Review status: no assertion criteria provided. Collection method: clinical testing. Allele origin: germline. Affected: yes. Study: VKGL Data-share Consensus. Not counted in ClinVar's aggregate classification.

Diagnostic Laboratory, Department of Genetics, University Medical Center Groningen
Classification: Benign. Review status: no assertion criteria provided. Collection method: clinical testing. Allele origin: germline. Affected: yes. Study: VKGL Data-share Consensus. Not counted in ClinVar's aggregate classification.

Genome Diagnostics Laboratory, Amsterdam University Medical Center
Classification: Benign. Review status: no assertion criteria provided. Collection method: clinical testing. Allele origin: germline. Affected: yes. Study: VKGL Data-share Consensus. Not counted in ClinVar's aggregate classification.

Joint Genome Diagnostic Labs from Nijmegen and Maastricht, Radboudumc and MUMC+
Classification: Benign. Review status: no assertion criteria provided. Collection method: clinical testing. Allele origin: germline. Affected: yes. Study: VKGL Data-share Consensus. Not counted in ClinVar's aggregate classification.

Literature cited by the submitters: PubMed 33769986 (cited by Mayo Clinic Laboratories, Mayo Clinic).